The following is an entry in ClinVar:

NM_000051.4(ATM):c.4761dup (p.Phe1588fs)

Gene: ATM (ATM serine/threonine kinase; plus strand). Cytogenetic location: 11q22.3.
Variant type: Duplication.
Coding change: c.4761dup on transcript NM_000051.4 (MANE Select); coding-DNA position 4761, one base duplicated (C; older notation c.4761dupC).
Protein change: p.Phe1588fs; shifts the reading frame from phenylalanine 1588.
Molecular consequence: frameshift variant.
Genome position (GRCh38, 1-based): chr11:108,293,462, C duplicated; the last of 3 consecutive C bases (chr11:108,293,460-108,293,462); duplicating any one gives the same sequence. VCF-style (leftmost placement, unchanged base first): chr11-108293459-A-AC. GRCh37 (hg19) VCF-style: chr11-108164186-A-AC.
Other names: c.4761dup, p.Phe1588fs (NM_001351834.2); c.4761dupC (NM_000051.3); short protein forms F1588fs.
Identifiers: ClinVar variation 951987 (VCV000951987.9), dbSNP rs1591677757, ClinGen allele CA918963704.

ClinVar aggregate classification (germline): Pathogenic. Review status: criteria provided, multiple submitters, no conflicts (2 of 4 stars). 3 submissions from 3 submitters: Pathogenic (3). Last evaluated 2026-07-15.

Conditions:
Familial cancer of breast. Also called: Hereditary breast cancer; BREAST CANCER, FAMILIAL; hereditary breast carcinoma. Identifiers: Orphanet 227535, MedGen C0346153, MONDO:0016419, OMIM 114480. Disease mechanism: loss of function.
Hereditary cancer-predisposing syndrome. Also called: Neoplastic Syndromes, Hereditary; Hereditary Cancer Syndrome; Tumor predisposition; Hereditary neoplastic syndrome. Identifiers: Orphanet 140162, MedGen C0027672, MeSH D009386, MONDO:0015356.
Ataxia-telangiectasia syndrome (AT). Also called: LOUIS-BAR SYNDROME; AT, COMPLEMENTATION GROUP C; Ataxia telangiectasia (A-T); Cerebello-oculocutaneous telangiectasia; Immunodeficiency with ataxia telangiectasia; Ataxia-telangiectasia. Identifiers: Orphanet 100, MedGen C0004135, MONDO:0008840, OMIM 208900.

Submissions (3):

Ambry Genetics
Classification: Pathogenic for Hereditary cancer-predisposing syndrome. Last evaluated: 2026-07-15. Review status: criteria provided, single submitter. Criteria: Ambry Variant Classification Scheme 2023. Collection method: clinical testing. Allele origin: germline.
Comment: The c.4761dupC pathogenic mutation, located in coding exon 30 of the ATM gene, results from a duplication of C at nucleotide position 4761, causing a translational frameshift with a predicted alternate stop codon (p.F1588Lfs*8). This variant is considered to be rare based on population cohorts in the Genome Aggregation Database (gnomAD). This alteration is expected to result in loss of function by premature protein truncation or nonsense-mediated mRNA decay. As such, this alteration is interpreted as a disease-causing mutation.

Myriad Genetics, Inc.
Classification: Pathogenic for Familial cancer of breast. Last evaluated: 2024-01-24. Review status: criteria provided, single submitter. Criteria: Myriad Autosomal Dominant, Autosomal Recessive and X-Linked Classification Criteria (2023). Collection method: clinical testing. Allele origin: unknown.
Comment: This variant is considered pathogenic. This variant creates a frameshift predicted to result in premature protein truncation.

Labcorp Genetics (formerly Invitae), Labcorp
Classification: Pathogenic for Ataxia-telangiectasia syndrome. Last evaluated: 2019-11-08. Review status: criteria provided, single submitter. Criteria: Invitae Variant Classification Sherloc (09022015). Collection method: clinical testing. Allele origin: germline.
Comment: This sequence change creates a premature translational stop signal (p.Phe1588Leufs*8) in the ATM gene. It is expected to result in an absent or disrupted protein product. This variant is not present in population databases (ExAC no frequency). This variant has not been reported in the literature in individuals with ATM-related conditions. Loss-of-function variants in ATM are known to be pathogenic (PMID: 23807571, 25614872). For these reasons, this variant has been classified as Pathogenic.

Literature cited by the submitters: PubMed 23807571 (cited by Labcorp Genetics (formerly Invitae), Labcorp); PubMed 25614872 (cited by Labcorp Genetics (formerly Invitae), Labcorp).